The following is an entry in ClinVar:

NM_000094.4(COL7A1):c.2622C>A (p.His874Gln)

Gene: COL7A1 (collagen type VII alpha 1 chain; minus strand). Cytogenetic location: 3p21.31.
Variant type: single nucleotide variant.
Coding change: c.2622C>A on transcript NM_000094.4 (MANE Select); coding-DNA position 2622, C replaced by A.
Protein change: p.His874Gln; replaces histidine 874 with glutamine.
Molecular consequence: missense variant.
Genome position (GRCh38, 1-based): chr3:48,588,370, G>T on the plus strand (C>A on the coding strand, the complement: COL7A1 is on the minus strand). VCF-style: chr3-48588370-G-T. GRCh37 (hg19) VCF-style: chr3-48625803-G-T.
Other names: short protein forms H874Q.
Identifiers: ClinVar variation 2691712 (VCV002691712.1), dbSNP rs368634417, ClinGen allele CA352717837.

ClinVar aggregate classification (germline): Uncertain significance (1 of 4 stars; one submission).

Submission:

Women's Health and Genetics/Laboratory Corporation of America, LabCorp
Classification: Uncertain significance. Last evaluated: 2023-12-15. Review status: criteria provided, single submitter. Criteria: LabCorp Variant Classification Summary - May 2015. Collection method: clinical testing. Allele origin: germline.
Comment: Variant summary: COL7A1 c.2622C>A (p.His874Gln) results in a non-conservative amino acid change located in the Fibronectin type III domain (IPR003961) of the encoded protein sequence. Four of five in-silico tools predict a benign effect of the variant on protein function. The variant was absent in 245452 control chromosomes (gnomAD). The available data on variant occurrences in the general population are insufficient to allow any conclusion about variant significance. To our knowledge, no occurrence of c.2622C>A in individuals affected with Dystrophic Epidermolysis Bullosa, Recessive and no experimental evidence demonstrating its impact on protein function have been reported. No submitters have cited clinical-significance assessments for this variant to ClinVar after 2014. Based on the evidence outlined above, the variant was classified as uncertain significance.